The following is an entry in ClinVar:

ClinVar aggregate classification (germline): Uncertain significance (1 of 4 stars; one submission).

Conditions:
Early-infantile DEE. Also called: Early infantile epileptic encephalopathy with suppression bursts; Early infantile epileptic encephalopathy; Ohtahara syndrome. Identifiers: Orphanet 1934, MedGen C0393706, MONDO:0800491.

Allele frequency attached by ClinVar (database versions not stated): gnomAD exomes below 0.00001; ExAC 0.00001.

Submission:

Labcorp Genetics (formerly Invitae), Labcorp
Classification: Uncertain significance for Early-infantile DEE. Last evaluated: 2022-08-09. Review status: criteria provided, single submitter. Criteria: Invitae Variant Classification Sherloc (09022015). Collection method: clinical testing. Allele origin: germline.
Comment: ClinVar contains an entry for this variant (Variation ID: 570799). Algorithms developed to predict the effect of missense changes on protein structure and function are either unavailable or do not agree on the potential impact of this missense change (SIFT: "Tolerated"; PolyPhen-2: "Possibly Damaging"; Align-GVGD: "Class C0"). In summary, the available evidence is currently insufficient to determine the role of this variant in disease. Therefore, it has been classified as a Variant of Uncertain Significance. This sequence change replaces glycine, which is neutral and non-polar, with aspartic acid, which is acidic and polar, at codon 650 of the ARHGEF15 protein (p.Gly650Asp). This variant is present in population databases (rs757242848, gnomAD 0.003%). This variant has not been reported in the literature in individuals affected with ARHGEF15-related conditions.

NM_173728.4(ARHGEF15):c.1949G>A (p.Gly650Asp)

Gene: ARHGEF15 (Rho guanine nucleotide exchange factor 15; plus strand). Cytogenetic location: 17p13.1.
Variant type: single nucleotide variant.
Coding change: c.1949G>A on transcript NM_173728.4 (MANE Select); coding-DNA position 1949, G replaced by A.
Protein change: p.Gly650Asp; replaces glycine 650 with aspartic acid.
Molecular consequence: missense variant.
Genome position (GRCh38, 1-based): chr17:8,318,826, G>A. VCF-style: chr17-8318826-G-A. GRCh37 (hg19) VCF-style: chr17-8222144-G-A.
Other names: c.1949G>A, p.Gly650Asp (NM_025014.2); short protein forms G650D.
Identifiers: ClinVar variation 570799 (VCV000570799.9), dbSNP rs757242848, ClinGen allele CA8375367.